The following is an entry in ClinVar:

NM_020800.3(IFT80):c.1837G>A (p.Glu613Lys)

Genes: TRIM59-IFT80 (TRIM59-IFT80 readthrough (NMD candidate); minus strand), IFT80 (intraflagellar transport 80; minus strand). Cytogenetic location: 3q25.33.
Variant type: single nucleotide variant.
Coding change: c.1837G>A on transcript NM_020800.3 (MANE Select); coding-DNA position 1837, G replaced by A.
Protein change: p.Glu613Lys; replaces glutamic acid 613 with lysine.
Molecular consequence: missense variant. On other transcripts: non-coding transcript variant (3).
Genome position (GRCh38, 1-based): chr3:160,277,670, C>T on the plus strand (G>A on the coding strand, the complement: IFT80 is on the minus strand). VCF-style: chr3-160277670-C-T. GRCh37 (hg19) VCF-style: chr3-159995458-C-T.
Other names: c.1426G>A, p.Glu476Lys (NM_001190241.2, NM_001190242.2); short protein forms E476K, E613K.
Identifiers: ClinVar variation 1716789 (VCV001716789.5), dbSNP rs1248379768, ClinGen allele CA355190708.

ClinVar aggregate classification (germline): Uncertain significance (1 of 4 stars; one submission).

Conditions:
Jeune thoracic dystrophy. Also called: Jeune syndrome; Infantile thoracic dystrophy; Thoracic pelvic phalangeal dystrophy; Jeune's syndrome; Chondroectodermal dysplasia-like syndrome; Short-rib thoracic dysplasia. Identifiers: Orphanet 474, MedGen C0265275, MONDO:0018770.

Submission:

Labcorp Genetics (formerly Invitae), Labcorp
Classification: Uncertain significance for Jeune thoracic dystrophy. Last evaluated: 2022-08-19. Review status: criteria provided, single submitter. Criteria: Invitae Variant Classification Sherloc (09022015). Collection method: clinical testing. Allele origin: germline.
Comment: In summary, the available evidence is currently insufficient to determine the role of this variant in disease. Therefore, it has been classified as a Variant of Uncertain Significance. Algorithms developed to predict the effect of sequence changes on RNA splicing suggest that this variant may create or strengthen a splice site. Algorithms developed to predict the effect of missense changes on protein structure and function (SIFT, PolyPhen-2, Align-GVGD) all suggest that this variant is likely to be tolerated. This variant has not been reported in the literature in individuals affected with IFT80-related conditions. This variant is not present in population databases (gnomAD no frequency). This sequence change replaces glutamic acid, which is acidic and polar, with lysine, which is basic and polar, at codon 613 of the IFT80 protein (p.Glu613Lys).